The following is an entry in ClinVar:

NM_004370.6(COL12A1):c.5833C>T (p.Pro1945Ser)

Gene: COL12A1 (collagen type XII alpha 1 chain; minus strand). Cytogenetic location: 6q13.
Variant type: single nucleotide variant.
Coding change: c.5833C>T on transcript NM_004370.6 (MANE Select); coding-DNA position 5833, C replaced by T.
Protein change: p.Pro1945Ser; replaces proline 1945 with serine.
Molecular consequence: missense variant.
Genome position (GRCh38, 1-based): chr6:75,132,044, G>A on the plus strand (C>T on the coding strand, the complement: COL12A1 is on the minus strand). VCF-style: chr6-75132044-G-A. GRCh37 (hg19) VCF-style: chr6-75841760-G-A.
Other names: c.2341C>T, p.Pro781Ser (NM_080645.3); short protein forms P1945S, P781S.
Identifiers: ClinVar variation 1315801 (VCV001315801.2), dbSNP rs2149385420, ClinGen allele CA364733061.

ClinVar aggregate classification (germline): Uncertain significance (1 of 4 stars; one submission).

Submission:

GeneDx
Classification: Uncertain significance. Last evaluated: 2019-10-08. Review status: criteria provided, single submitter. Criteria: GeneDx Variant Classification Process June 2021. Collection method: clinical testing. Allele origin: germline. Affected: yes.
Comment: Not observed in large population cohorts (Lek et al., 2016); In silico analysis, which includes protein predictors and evolutionary conservation, supports a deleterious effect; Has not been previously published as pathogenic or benign to our knowledge